The following is an entry in ClinVar:

ClinVar aggregate classification (germline): Conflicting classifications of pathogenicity. Review status: criteria provided, conflicting classifications (1 of 4 stars). 7 submissions from 7 submitters: Likely pathogenic (1); Uncertain significance (5). 1 of the submissions does not count toward it. Last evaluated 2026-06-24.

Conditions:
Ataxia-telangiectasia syndrome (AT). Also called: Ataxia-telangiectasia, complementation group D; AT, COMPLEMENTATION GROUP C; Ataxia-telangiectasia, complementation group E; Ataxia telangiectasia (A-T); LOUIS-BAR SYNDROME; Cerebello-oculocutaneous telangiectasia. Identifiers: Orphanet 100, MedGen C0004135, MONDO:0008840, OMIM 208900.
Familial cancer of breast. Also called: BREAST CANCER, FAMILIAL; Hereditary breast cancer; hereditary breast carcinoma. Identifiers: Orphanet 227535, MedGen C0346153, MONDO:0016419, OMIM 114480. Disease mechanism: loss of function.
Hereditary cancer-predisposing syndrome. Also called: Hereditary neoplastic syndrome; Neoplastic Syndromes, Hereditary; Hereditary Cancer Syndrome; Tumor predisposition. Identifiers: Orphanet 140162, MedGen C0027672, MeSH D009386, MONDO:0015356.
Familial pancreatic carcinoma. Identifiers: Orphanet 1333, MedGen C2931038, MONDO:0015278, OMIM 260350.

gnomAD v4.1: 3 of 1,613,854 alleles (0.00019%); highest among the groups gnomAD compares: Non-Finnish European, 0.00025%; no homozygotes.

Submissions (7):

Myriad Genetics, Inc.
Classification: Likely pathogenic for Familial cancer of breast. Last evaluated: 2026-06-24. Review status: criteria provided, single submitter. Criteria: Myriad Autosomal Dominant, Autosomal Recessive and X-Linked Classification Criteria (2023). Collection method: clinical testing. Allele origin: unknown.
Comment: This variant is considered likely pathogenic. This variant has been reported in multiple individuals with clinical features of gene-specific disease [PMID: 39052144]. This variant is expected to disrupt protein structure [Myriad internal data]. Functional studies indicate this variant impacts protein function [PMID: 40580951].

Labcorp Genetics (formerly Invitae), Labcorp
Classification: Uncertain significance for Ataxia-telangiectasia syndrome. Last evaluated: 2025-11-09. Review status: criteria provided, single submitter. Criteria: Invitae Variant Classification Sherloc (09022015). Collection method: clinical testing. Allele origin: germline.
Comment: This sequence change replaces glycine, which is neutral and non-polar, with aspartic acid, which is acidic and polar, at codon 1679 of the ATM protein (p.Gly1679Asp). This variant is not present in population databases (gnomAD no frequency). This missense change has been observed in individual(s) with breast cancer or inborn errors of immunity (PMID: 32885271, 39052144). ClinVar contains an entry for this variant (Variation ID: 482665). Invitae Evidence Modeling of protein sequence and biophysical properties (such as structural, functional, and spatial information, amino acid conservation, physicochemical variation, residue mobility, and thermodynamic stability) indicates that this missense variant is expected to disrupt ATM protein function with a positive predictive value of 95%. In summary, the available evidence is currently insufficient to determine the role of this variant in disease. Therefore, it has been classified as a Variant of Uncertain Significance.

Molecular Pathology, Peter Maccallum Cancer Centre
Classification: Uncertain significance for Ataxia-telangiectasia syndrome. Last evaluated: 2024-09-04. Review status: criteria provided, single submitter. Criteria: ACMG Guidelines, 2015. Collection method: clinical testing. Allele origin: germline. Inheritance: Autosomal recessive inheritance.

GeneDx
Classification: Uncertain significance. Last evaluated: 2023-12-22. Review status: criteria provided, single submitter. Criteria: GeneDx Variant Classification Process June 2021. Collection method: clinical testing. Allele origin: germline. Affected: yes.
Comment: Observed in an individual with pancreatic cancer (PMID: 32885271); In silico analysis supports that this missense variant has a deleterious effect on protein structure/function; Not observed at significant frequency in large population cohorts (gnomAD); This variant is associated with the following publications: (PMID: 32885271)

Color Diagnostics, LLC DBA Color Health
Classification: Uncertain significance for Hereditary cancer-predisposing syndrome. Last evaluated: 2022-12-21. Review status: criteria provided, single submitter. Criteria: ACMG Guidelines, 2015. Collection method: clinical testing. Allele origin: germline.
Comment: This missense variant replaces glycine with aspartic acid at codon 1679 of the ATM protein. Computational prediction suggests that this variant may have deleterious impact on protein structure and function (internally defined REVEL score threshold >= 0.7, PMID: 27666373). To our knowledge, functional studies have not been reported for this variant. This variant has been reported in an individual affected with pancreatic cancer and a family history of breast and ovarian cancer (PMID: 32885271). This variant has not been identified in the general population by the Genome Aggregation Database (gnomAD). The available evidence is insufficient to determine the role of this variant in disease conclusively. Therefore, this variant is classified as a Variant of Uncertain Significance.

Ambry Genetics
Classification: Uncertain significance for Hereditary cancer-predisposing syndrome. Last evaluated: 2022-06-30. Review status: criteria provided, single submitter. Criteria: Ambry Variant Classification Scheme 2023. Collection method: clinical testing. Allele origin: germline.
Comment: The p.G1679D variant (also known as c.5036G>A), located in coding exon 33 of the ATM gene, results from a G to A substitution at nucleotide position 5036. The glycine at codon 1679 is replaced by aspartic acid, an amino acid with similar properties. This variant was observed in 1/3251 individuals who met eligibility criteria for hereditary breast and ovarian cancer syndrome (Lerner-Ellis J et al. J Cancer Res Clin Oncol, 2021 Mar;147:871-879). This amino acid position is highly conserved in available vertebrate species. In addition, this alteration is predicted to be deleterious by in silico analysis. Since supporting evidence is limited at this time, the clinical significance of this alteration remains unclear.

Department of Pathology and Laboratory Medicine, Sinai Health System
Classification: Uncertain significance for Familial pancreatic carcinoma. Review status: no assertion criteria provided. Collection method: clinical testing. Allele origin: unknown. Affected: yes. Study: The Canadian Open Genetics Repository (COGR). Not counted in ClinVar's aggregate classification.
Comment: The ATM p.Gly1679Asp variant was not identified in the literature nor was it identified in the dbSNP or LOVD 3.0. The variant was identified in ClinVar (classified as uncertain significance by Invitae and Ambry Genetics). The variant was not identified in the Exome Aggregation Consortium (August 8th 2016) or the Genome Aggregation Database (Feb 27, 2017). The variant occurs outside of the splicing consensus sequence and in silico or computational prediction software programs (SpliceSiteFinder, MaxEntScan, NNSPLICE, GeneSplicer) do not predict a difference in splicing. The p.Gly1679 residue is conserved across mammals and other organisms, and computational analyses (PolyPhen-2, SIFT, AlignGVGD, BLOSUM, MutationTaster) suggest that the variant may impact the protein; however, this information is not predictive enough to assume pathogenicity. In summary, based on the above information, the clinical significance of this variant cannot be determined with certainty at this time. This variant is classified as a variant of uncertain significance.

Literature cited by the submitters: PubMed 39052144 (cited by Myriad Genetics, Inc. and Labcorp Genetics (formerly Invitae), Labcorp); PubMed 40580951 (cited by Myriad Genetics, Inc.); PubMed 32885271 (cited by 3 submitters).

NM_000051.4(ATM):c.5036G>A (p.Gly1679Asp)

Gene: ATM (ATM serine/threonine kinase; plus strand). Cytogenetic location: 11q22.3.
Variant type: single nucleotide variant.
Coding change: c.5036G>A on transcript NM_000051.4 (MANE Select); coding-DNA position 5036, G replaced by A.
Protein change: p.Gly1679Asp; replaces glycine 1679 with aspartic acid.
Molecular consequence: missense variant.
Genome position (GRCh38, 1-based): chr11:108,299,744, G>A. VCF-style: chr11-108299744-G-A. GRCh37 (hg19) VCF-style: chr11-108170471-G-A.
Other names: c.5036G>A, p.Gly1679Asp (NM_001351834.2); short protein forms G1679D.
Identifiers: ClinVar variation 482665 (VCV000482665.22), dbSNP rs1064794124, ClinGen allele CA382540317.